The following is an entry in ClinVar:

NM_001017420.3(ESCO2):c.1013+7A>G

Gene: ESCO2 (establishment of sister chromatid cohesion N-acetyltransferase 2; plus strand). Cytogenetic location: 8p21.1.
Variant type: single nucleotide variant.
Coding change: c.1013+7A>G on transcript NM_001017420.3 (MANE Select); 7 bases into the intron after coding-DNA position 1013, A replaced by G.
Molecular consequence: intron variant.
Genome position (GRCh38, 1-based): chr8:27,784,064, A>G. VCF-style: chr8-27784064-A-G. GRCh37 (hg19) VCF-style: chr8-27641581-A-G.
Identifiers: ClinVar variation 362737 (VCV000362737.42), dbSNP rs149494070, ClinGen allele CA4692185.
Genomic context (GRCh38, chr8:27,784,064, plus strand): 5'-TCCTAAGTCCACTGTCTATCCAATCTTCAGTGCATCTTCAGTCAATTCAAAAAGGTGAGA[A>G]TTGTTATTGTTTTAAAGTCCAAGCCTTGTAAATTATACAGTTCCTCTGGGTCTCTTTTTC-3'

ClinVar aggregate classification (germline): Conflicting classifications of pathogenicity. Review status: criteria provided, conflicting classifications (1 of 4 stars). 8 submissions from 8 submitters: Uncertain significance (2); Benign (1); Likely benign (3). 2 of the submissions do not count toward it. Last evaluated 2026-05-01.

Conditions:
Roberts-SC phocomelia syndrome (RBS). Also called: LONG BONE DEFICIENCIES ASSOCIATED WITH CLEFT LIP-PALATE; Hypomelia hypotrichosis facial hemangioma syndrome; ESCO2 Spectrum Disorder; Pseudothalidomide syndrome; Appelt-Gerken-Lenz syndrome. Identifiers: Orphanet 3103, MedGen C0392475, MONDO:0100253, OMIM 268300.
ESCO2-related disorder. Also called: ESCO2-related condition.

Allele frequency attached by ClinVar (database versions not stated): ESP Exome Variant Server 0.00015; TOPMed 0.00049; gnomAD 0.00070 and 0.00074; 1000 Genomes Project 0.00080; ExAC 0.00082; gnomAD exomes 0.00091; 1000 Genomes Project 30x 0.00109.

Submissions (8):

CeGaT Center for Human Genetics Tuebingen
Classification: Likely benign. Last evaluated: 2026-05-01. Review status: criteria provided, single submitter. Criteria: CeGaT Center For Human Genetics Tuebingen Variant Classification Criteria Version 2. Collection method: clinical testing. Allele origin: germline. Affected: yes. Observed: 2 variant alleles.
Comment: ESCO2: BP4

Labcorp Genetics (formerly Invitae), Labcorp
Classification: Benign. Last evaluated: 2026-01-14. Review status: criteria provided, single submitter. Criteria: Invitae Variant Classification Sherloc (09022015). Collection method: clinical testing. Allele origin: germline.

Laboratory of Genetics, Children's Clinical University Hospital Latvia
Classification: Likely benign. Last evaluated: 2025-02-16. Review status: criteria provided, single submitter. Criteria: ACMG Guidelines, 2015. Collection method: clinical testing. Allele origin: germline. Affected: yes.

Blueprint Genetics
Classification: Likely benign. Last evaluated: 2024-11-11. Review status: criteria provided, single submitter. Criteria: ACMG Guidelines, 2015. Collection method: clinical testing. Allele origin: germline.

Illumina Laboratory Services, Illumina
Classification: Uncertain significance for Roberts-SC phocomelia syndrome. Last evaluated: 2018-01-13. Review status: criteria provided, single submitter. Criteria: ICSL Variant Classification Criteria 13 December 2019. Collection method: clinical testing. Allele origin: germline.

Eurofins Ntd Llc (ga)
Classification: Uncertain significance. Last evaluated: 2017-12-19. Review status: criteria provided, single submitter. Criteria: EGL Classification Definitions 2015. Collection method: clinical testing. Allele origin: germline. Observed: 1 variant allele, 1 heterozygote.

Natera, Inc.
Classification: Likely benign for Roberts syndrome. Last evaluated: 2019-10-23. Review status: no assertion criteria provided. Collection method: clinical testing. Allele origin: germline. Not counted in ClinVar's aggregate classification.

PreventionGenetics, part of Exact Sciences
Classification: Likely benign for ESCO2-related condition. Last evaluated: 2019-09-20. Review status: no assertion criteria provided. Collection method: clinical testing. Allele origin: germline. Not counted in ClinVar's aggregate classification.
Comment: This variant is classified as likely benign based on ACMG/AMP sequence variant interpretation guidelines (Richards et al. 2015 PMID: 25741868, with internal and published modifications).